The following is an entry in ClinVar:

ClinVar aggregate classification (germline): Uncertain significance (1 of 4 stars; one submission).

Submission:

Labcorp Genetics (formerly Invitae), Labcorp
Classification: Uncertain significance. Last evaluated: 2024-04-06. Review status: criteria provided, single submitter. Criteria: Invitae Variant Classification Sherloc (09022015). Collection method: clinical testing. Allele origin: germline.
Comment: This sequence change replaces glutamic acid, which is acidic and polar, with glycine, which is neutral and non-polar, at codon 99 of the NCSTN protein (p.Glu99Gly). This variant is not present in population databases (gnomAD no frequency). This variant has not been reported in the literature in individuals affected with NCSTN-related conditions. Advanced modeling of protein sequence and biophysical properties (such as structural, functional, and spatial information, amino acid conservation, physicochemical variation, residue mobility, and thermodynamic stability) performed at Invitae indicates that this missense variant is not expected to disrupt NCSTN protein function with a negative predictive value of 80%. Algorithms developed to predict the effect of sequence changes on RNA splicing suggest that this variant may disrupt the consensus splice site. In summary, the available evidence is currently insufficient to determine the role of this variant in disease. Therefore, it has been classified as a Variant of Uncertain Significance.

NM_015331.3(NCSTN):c.296A>G (p.Glu99Gly)

Gene: NCSTN (nicastrin; plus strand). Cytogenetic location: 1q23.2.
Variant type: single nucleotide variant.
Coding change: c.296A>G on transcript NM_015331.3 (MANE Select); coding-DNA position 296, A replaced by G.
Protein change: p.Glu99Gly; replaces glutamic acid 99 with glycine.
Molecular consequence: missense variant.
Genome position (GRCh38, 1-based): chr1:160,349,104, A>G. VCF-style: chr1-160349104-A-G. GRCh37 (hg19) VCF-style: chr1-160318894-A-G.
Other names: c.236A>G, p.Glu79Gly (NM_001290184.2); c.296A>G, p.Glu99Gly (NM_001290186.2, NM_001349729.2); short protein forms E99G, E79G.
Identifiers: ClinVar variation 3649041 (VCV003649041.2).